The following is an entry in ClinVar:

ClinVar aggregate classification (germline): Conflicting classifications of pathogenicity. Review status: criteria provided, conflicting classifications (1 of 4 stars). 8 submissions from 8 submitters: Uncertain significance (7); Likely benign (1). Last evaluated 2024-09-20.

Conditions:
Meier-Gorlin syndrome 1 (MGORS1). Also called: EAR, PATELLA, SHORT STATURE SYNDROME. Identifiers: Orphanet 2554, MedGen C4552001, MONDO:0009143, OMIM 224690.

Allele frequency attached by ClinVar (database versions not stated): ExAC 0.00002; gnomAD exomes 0.00004 and 0.00007; gnomAD 0.00005; TOPMed 0.00009.
gnomAD v4.1: 117 of 1,613,986 alleles (0.0072%); highest among the groups gnomAD compares: Middle Eastern, 0.13%; no homozygotes.

Submissions (8):

3billion
Classification: Likely benign for Meier-Gorlin syndrome 1. Last evaluated: 2024-09-20. Review status: criteria provided, single submitter. Criteria: ACMG Guidelines, 2015. Collection method: clinical testing. Allele origin: germline. Affected: no.
Comment: The homozygous variant was found in patients diagnosed with another variant in a different gene, with no symptoms related to the gene containing the homozygous variant.

Blueprint Genetics
Classification: Uncertain significance. Last evaluated: 2024-09-02. Review status: criteria provided, single submitter. Criteria: ACMG Guidelines, 2015. Collection method: clinical testing. Allele origin: germline.

Labcorp Genetics (formerly Invitae), Labcorp
Classification: Uncertain significance. Last evaluated: 2022-07-09. Review status: criteria provided, single submitter. Criteria: Invitae Variant Classification Sherloc (09022015). Collection method: clinical testing. Allele origin: germline.
Comment: This sequence change replaces threonine, which is neutral and polar, with isoleucine, which is neutral and non-polar, at codon 203 of the ORC1 protein (p.Thr203Ile). This variant is present in population databases (rs202095223, gnomAD 0.01%). This variant has not been reported in the literature in individuals affected with ORC1-related conditions. ClinVar contains an entry for this variant (Variation ID: 436115). Algorithms developed to predict the effect of missense changes on protein structure and function (SIFT, PolyPhen-2, Align-GVGD) all suggest that this variant is likely to be tolerated. In summary, the available evidence is currently insufficient to determine the role of this variant in disease. Therefore, it has been classified as a Variant of Uncertain Significance.

Clinical Genetics Laboratory, Skane University Hospital Lund
Classification: Uncertain significance. Last evaluated: 2022-05-27. Review status: criteria provided, single submitter. Criteria: ACMG Guidelines, 2015. Collection method: clinical testing. Allele origin: germline. Affected: yes.

Dubai Health Genomic Medicine Center, Dubai Health
Classification: Uncertain significance for Meier-Gorlin syndrome 1. Last evaluated: 2020-03-25. Review status: criteria provided, single submitter. Criteria: ACMG Guidelines, 2015. Collection method: clinical testing. Allele origin: germline. Affected: yes.

Illumina Laboratory Services, Illumina
Classification: Uncertain significance for Meier-Gorlin syndrome 1. Last evaluated: 2018-01-13. Review status: criteria provided, single submitter. Criteria: ICSL Variant Classification Criteria 13 December 2019. Collection method: clinical testing. Allele origin: germline.

Mayo Clinic Laboratories, Mayo Clinic
Classification: Uncertain significance for Meier-Gorlin syndrome 1. Last evaluated: 2016-11-30. Review status: criteria provided, single submitter. Criteria: ACMG Guidelines, 2015. Collection method: clinical testing. Allele origin: paternal.

Genetic Services Laboratory, University of Chicago
Classification: Uncertain significance. Last evaluated: 2015-10-29. Review status: criteria provided, single submitter. Criteria: ACMG Guidelines, 2015. Collection method: clinical testing. Allele origin: germline. Affected: no.

NM_004153.4(ORC1):c.608C>T (p.Thr203Ile)

Gene: ORC1 (origin recognition complex subunit 1; minus strand). Cytogenetic location: 1p32.3.
Variant type: single nucleotide variant.
Coding change: c.608C>T on transcript NM_004153.4 (MANE Select); coding-DNA position 608, C replaced by T.
Protein change: p.Thr203Ile; replaces threonine 203 with isoleucine.
Molecular consequence: missense variant.
Genome position (GRCh38, 1-based): chr1:52,396,159, G>A on the plus strand (C>T on the coding strand, the complement: ORC1 is on the minus strand). VCF-style: chr1-52396159-G-A. GRCh37 (hg19) VCF-style: chr1-52861831-G-A.
Other names: c.608C>T, p.Thr203Ile (NM_001190818.2, NM_001190819.2); short protein forms T203I.
Identifiers: ClinVar variation 436115 (VCV000436115.21), dbSNP rs202095223, ClinGen allele CA853553.
Genomic context (GRCh38, chr1:52,396,159, plus strand): 5'-TGGCGAGATTTGGAGGCGGAGTGCCTTGATTCAATCCTTTTGGCCACATGTTCTGCTGGG[G>A]TCCAAGAAGGGCTCTCTGCACTCTTACTCTTGGCTCTCACGGGTTTCTGGCACTTGGCTG-3'
Protein context (NP_004144.2, residues 193-213): KSKSAESPSW[Thr203Ile]PAEHVAKRIE